The following is an entry in ClinVar:

NM_007363.5(NONO):c.1147C>T (p.Arg383Trp)

Gene: NONO (non-POU domain containing octamer binding; plus strand). Cytogenetic location: Xq13.1.
Variant type: single nucleotide variant.
Coding change: c.1147C>T on transcript NM_007363.5 (MANE Select); coding-DNA position 1147, C replaced by T.
Protein change: p.Arg383Trp; replaces arginine 383 with tryptophan.
Molecular consequence: missense variant.
Genome position (GRCh38, 1-based): chrX:71,298,484, C>T. VCF-style: chrX-71298484-C-T. GRCh37 (hg19) VCF-style: chrX-70518334-C-T.
Other names: c.1147C>T, p.Arg383Trp (NM_001145408.2, NM_001145409.2); c.880C>T, p.Arg294Trp (NM_001145410.2); short protein forms R294W, R383W.
Identifiers: ClinVar variation 3364186 (VCV003364186.1).
Genomic context (GRCh38, chrX:71,298,484, plus strand): 5'-ATGCACTGCTGTCTTGGACTGTCTTGAGTATTTTTTGTTTTTCAGAGAGAGCAGGAGATT[C>T]GGATGGGTCAGATGGCTATGGGAGGTAAGGACTTAGGAGGTTAATGGCTCTGATTTCCTT-3'
Protein context (NP_031389.3, residues 373-393): TFPDAREQEI[Arg383Trp]MGQMAMGGAM

ClinVar aggregate classification (germline): Uncertain significance (1 of 4 stars; one submission).

Submission:

GeneDx
Classification: Uncertain significance. Last evaluated: 2023-11-11. Review status: criteria provided, single submitter. Criteria: GeneDx Variant Classification Process June 2021. Collection method: clinical testing. Allele origin: germline. Affected: yes.
Comment: Not observed at significant frequency in large population cohorts (gnomAD); In silico analysis supports that this missense variant has a deleterious effect on protein structure/function; Has not been previously published as pathogenic or benign to our knowledge